The following is an entry in ClinVar:

ClinVar aggregate classification (germline): Uncertain significance (1 of 4 stars; one submission).

Conditions:
Sulfite oxidase deficiency. Also called: Isolated sulfite oxidase deficiency. Identifiers: Orphanet 833, Orphanet 99731, MedGen C0268624, MONDO:0010089, OMIM 272300, HP:0003643.

Allele frequency attached by ClinVar (database versions not stated): gnomAD exomes below 0.00001; ExAC 0.00001.
gnomAD v4.1: 1 of 1,614,072 alleles (0.000062%); highest among the groups gnomAD compares: South Asian, 0.0011%; no homozygotes.

Submission:

Labcorp Genetics (formerly Invitae), Labcorp
Classification: Uncertain significance for Sulfite oxidase deficiency. Last evaluated: 2022-06-15. Review status: criteria provided, single submitter. Criteria: Invitae Variant Classification Sherloc (09022015). Collection method: clinical testing. Allele origin: germline.
Comment: This sequence change replaces glycine, which is neutral and non-polar, with glutamic acid, which is acidic and polar, at codon 54 of the SUOX protein (p.Gly54Glu). This variant is present in population databases (rs755191764, gnomAD 0.003%). This variant has not been reported in the literature in individuals affected with SUOX-related conditions. Algorithms developed to predict the effect of missense changes on protein structure and function are either unavailable or do not agree on the potential impact of this missense change (SIFT: "Deleterious"; PolyPhen-2: "Benign"; Align-GVGD: "Class C0"). In summary, the available evidence is currently insufficient to determine the role of this variant in disease. Therefore, it has been classified as a Variant of Uncertain Significance.

NM_001032386.2(SUOX):c.161G>A (p.Gly54Glu)

Gene: SUOX (sulfite oxidase; plus strand). Cytogenetic location: 12q13.2.
Variant type: single nucleotide variant.
Coding change: c.161G>A on transcript NM_001032386.2 (MANE Select); coding-DNA position 161, G replaced by A.
Protein change: p.Gly54Glu; replaces glycine 54 with glutamic acid.
Molecular consequence: missense variant.
Genome position (GRCh38, 1-based): chr12:56,002,653, G>A. VCF-style: chr12-56002653-G-A. GRCh37 (hg19) VCF-style: chr12-56396437-G-A.
Other names: c.161G>A, p.Gly54Glu (NM_000456.3, NM_001032387.2); short protein forms G54E.
Identifiers: ClinVar variation 1914928 (VCV001914928.2), dbSNP rs755191764, ClinGen allele CA6620892.